The following is an entry in ClinVar:

NM_020975.6(RET):c.385C>A (p.Pro129Thr)

Gene: RET (ret proto-oncogene; plus strand). Cytogenetic location: 10q11.21.
Variant type: single nucleotide variant.
Coding change: c.385C>A on transcript NM_020975.6 (MANE Select); coding-DNA position 385, C replaced by A.
Protein change: p.Pro129Thr; replaces proline 129 with threonine.
Molecular consequence: missense variant. On other transcripts: intron variant (22).
Genome position (GRCh38, 1-based): chr10:43,102,389, C>A. VCF-style: chr10-43102389-C-A. GRCh37 (hg19) VCF-style: chr10-43597837-C-A.
Other names: c.385C>A, p.Pro129Thr (NM_001406743.1, NM_001406744.1, NM_001406759.1 and 14 more transcripts); c.338-82C>A (NM_001406764.1, NM_001406762.1, NM_001406761.1 and 4 more transcripts); c.337+1667C>A (NM_001406770.1, NM_001406766.1, NM_001406767.1 and 8 more transcripts); c.74-6642C>A (NM_001406784.1); c.74-9710C>A (NM_001406794.1, NM_001406792.1, NM_001406793.1); short protein forms P129T.
Identifiers: ClinVar variation 3944666 (VCV003944666.1).
Genomic context (GRCh38, chr10:43,102,389, plus strand): 5'-CTTCTCTCTGCAGACCGCGGCTTTCCCCTGCTCACCGTCTACCTCAAGGTCTTCCTGTCA[C>A]CCACATCCCTTCGTGAGGGCGAGTGCCAGTGGCCAGGCTGTGCCCGCGTATACTTCTCCT-3'
Protein context (NP_066124.1, residues 119-139): LTVYLKVFLS[Pro129Thr]TSLREGECQW

ClinVar aggregate classification (germline): Uncertain significance (1 of 4 stars; one submission).

Conditions:
Hereditary cancer-predisposing syndrome. Also called: Tumor predisposition; Hereditary neoplastic syndrome; Hereditary Cancer Syndrome; Neoplastic Syndromes, Hereditary. Identifiers: Orphanet 140162, MedGen C0027672, MeSH D009386, MONDO:0015356.

gnomAD v4.1: 1 of 1,614,266 alleles (0.000062%); highest among the groups gnomAD compares: African/African-American, 0.0013%; no homozygotes.

Submission:

Ambry Genetics
Classification: Uncertain significance for Hereditary cancer-predisposing syndrome. Last evaluated: 2025-05-22. Review status: criteria provided, single submitter. Criteria: Ambry Variant Classification Scheme 2023. Collection method: clinical testing. Allele origin: germline.
Comment: The p.P129T variant (also known as c.385C>A), located in coding exon 3 of the RET gene, results from a C to A substitution at nucleotide position 385. The proline at codon 129 is replaced by threonine, an amino acid with highly similar properties. This amino acid position is conserved. In addition, this alteration is predicted to be tolerated by in silico analysis. Based on the available evidence, the clinical significance of this variant remains unclear.